The following is an entry in ClinVar:

ClinVar aggregate classification (germline): Uncertain significance (1 of 4 stars; one submission).

gnomAD v4.1: 23 of 1,208,834 alleles (0.0019%); highest among the groups gnomAD compares: Admixed American, 0.039%; no homozygotes.

Submission:

Labcorp Genetics (formerly Invitae), Labcorp
Classification: Uncertain significance. Last evaluated: 2024-11-30. Review status: criteria provided, single submitter. Criteria: Invitae Variant Classification Sherloc (09022015). Collection method: clinical testing. Allele origin: germline.
Comment: This sequence change replaces arginine, which is basic and polar, with histidine, which is basic and polar, at codon 300 of the CACNA1F protein (p.Arg300His). This variant is present in population databases (no rsID available, gnomAD 0.03%), and has an allele count higher than expected for a pathogenic variant. This variant has not been reported in the literature in individuals affected with CACNA1F-related conditions. Invitae Evidence Modeling of protein sequence and biophysical properties (such as structural, functional, and spatial information, amino acid conservation, physicochemical variation, residue mobility, and thermodynamic stability) indicates that this missense variant is not expected to disrupt CACNA1F protein function with a negative predictive value of 80%. In summary, the available evidence is currently insufficient to determine the role of this variant in disease. Therefore, it has been classified as a Variant of Uncertain Significance.

NM_001256789.3(CACNA1F):c.899G>A (p.Arg300His)

Gene: CACNA1F (calcium voltage-gated channel subunit alpha1 F; minus strand). Cytogenetic location: Xp11.23.
Variant type: single nucleotide variant.
Coding change: c.899G>A on transcript NM_001256789.3 (MANE Select); coding-DNA position 899, G replaced by A.
Protein change: p.Arg300His; replaces arginine 300 with histidine.
Molecular consequence: missense variant.
Genome position (GRCh38, 1-based): chrX:49,228,366, C>T on the plus strand (G>A on the coding strand, the complement: CACNA1F is on the minus strand). VCF-style: chrX-49228366-C-T. GRCh37 (hg19) VCF-style: chrX-49084828-C-T.
Other names: c.704G>A, p.Arg235His (NM_001256790.3); c.899G>A, p.Arg300His (NM_005183.4); short protein forms R235H, R300H.
Identifiers: ClinVar variation 3701156 (VCV003701156.2).
Genomic context (GRCh38, chrX:49,228,366, plus strand): 5'-ATGGCGAAGAAGAAGTTGTCAAAGTTGGTGATGCCTCCATTGGGCCCTGGCCAGCGCCCG[C>T]GGCACTCAGTCTGGTTCAGCGTGCACGCACGCCCTGATCCCGAAGACGCACAGGGCGATG-3'
Protein context (NP_001243718.1, residues 290-310): RACTLNQTEC[Arg300His]GRWPGPNGGI